The following is an entry in ClinVar:

ClinVar aggregate classification (germline): Benign. Review status: criteria provided, multiple submitters, no conflicts (2 of 4 stars). 9 submissions from 9 submitters: Benign (7). 2 of the submissions do not count toward it. Last evaluated 2026-02-04.

Conditions:
Fraser syndrome 1 (FRASRS1). Also called: CRYPTOPHTHALMOS WITH OTHER MALFORMATIONS. Identifiers: Orphanet 2052, MedGen C4551480, MONDO:0054737, OMIM 219000.

Allele frequency attached by ClinVar (database versions not stated): gnomAD exomes 0.46214 and 0.50451; ExAC 0.50863; ESP Exome Variant Server 0.51038; gnomAD 0.51261 and 0.51873; TOPMed 0.52426; 1000 Genomes Project 30x 0.59104; 1000 Genomes Project 0.59385.
gnomAD v4.1: 754,797 of 1,608,900 alleles (47%); highest among the groups gnomAD compares: East Asian, 71%; 183,925 homozygotes.

Submissions (9):

Labcorp Genetics (formerly Invitae), Labcorp
Classification: Benign. Last evaluated: 2026-02-04. Review status: criteria provided, single submitter. Criteria: Invitae Variant Classification Sherloc (09022015). Collection method: clinical testing. Allele origin: germline.

Blueprint Genetics
Classification: Benign. Last evaluated: 2024-11-26. Review status: criteria provided, single submitter. Criteria: ACMG Guidelines, 2015. Collection method: clinical testing. Allele origin: germline.

Genome-Nilou Lab
Classification: Benign for Fraser syndrome 1. Last evaluated: 2021-08-10. Review status: criteria provided, single submitter. Criteria: ACMG Guidelines, 2015. Collection method: clinical testing. Allele origin: germline. Affected: no.

GeneDx
Classification: Benign. Last evaluated: 2019-02-25. Review status: criteria provided, single submitter. Criteria: GeneDx Variant Classification Process June 2021. Collection method: clinical testing. Allele origin: germline. Affected: yes.

Illumina Laboratory Services, Illumina
Classification: Benign for Fraser syndrome 1. Last evaluated: 2018-01-13. Review status: criteria provided, single submitter. Criteria: ICSL Variant Classification Criteria 13 December 2019. Collection method: clinical testing. Allele origin: germline.
Comment: This variant was observed in the ICSL laboratory as part of a predisposition screen in an ostensibly healthy population. It had not been previously curated by ICSL or reported in the Human Gene Mutation Database (HGMD: prior to June 1st, 2018), and was therefore a candidate for classification through an automated scoring system. Utilizing variant allele frequency, disease prevalence and penetrance estimates, and inheritance mode, an automated score was calculated to assess if this variant is too frequent to cause the disease. Based on the score and internal cut-off values, a variant classified as benign is not then subjected to further curation. The score for this variant resulted in a classification of benign for this disease.

Breakthrough Genomics
Classification: Benign. Review status: criteria provided, single submitter. Criteria: ACMG Guidelines, 2015. Collection method: not provided. Allele origin: germline. Inheritance: Autosomal recessive inheritance. Affected: yes.

PreventionGenetics, part of Exact Sciences
Classification: Benign. Review status: criteria provided, single submitter. Criteria: ACMG Guidelines, 2015. Collection method: clinical testing. Allele origin: germline.

Diagnostic Laboratory, Department of Genetics, University Medical Center Groningen
Classification: Benign for Fraser syndrome 1. Review status: no assertion criteria provided. Collection method: clinical testing. Allele origin: germline. Affected: yes. Study: VKGL Data-share Consensus. Not counted in ClinVar's aggregate classification.

Genome Diagnostics Laboratory, University Medical Center Utrecht
Classification: Benign. Review status: no assertion criteria provided. Collection method: clinical testing. Allele origin: germline. Affected: yes. Study: VKGL Data-share Consensus. Not counted in ClinVar's aggregate classification.

NM_025074.7(FRAS1):c.9116-11T>C

Gene: FRAS1 (Fraser extracellular matrix complex subunit 1; plus strand). Cytogenetic location: 4q21.21.
Variant type: single nucleotide variant.
Coding change: c.9116-11T>C on transcript NM_025074.7 (MANE Select); 11 bases into the intron before coding-DNA position 9116, T replaced by C.
Molecular consequence: intron variant.
Genome position (GRCh38, 1-based): chr4:78,499,710, T>C. VCF-style: chr4-78499710-T-C. GRCh37 (hg19) VCF-style: chr4-79420864-T-C.
Identifiers: ClinVar variation 261817 (VCV000261817.18), dbSNP rs7677541, ClinGen allele CA2978585.